The following is an entry in ClinVar:

NM_172364.5(CACNA2D4):c.1644+4_1644+5del

Gene: CACNA2D4 (calcium voltage-gated channel auxiliary subunit alpha2delta 4; minus strand). Cytogenetic location: 12p13.33.
Variant type: Deletion.
Coding change: c.1644+4_1644+5del on transcript NM_172364.5 (MANE Select); bases 4 to 5 of the intron after coding-DNA position 1644, 2 bases deleted (AG; older notation c.1644+4_1644+5delAG).
Molecular consequence: intron variant.
Genome position (GRCh38, 1-based): chr12:1,878,951-1,878,952, CT deleted on the plus strand (AG on the coding strand, the reverse complement: CACNA2D4 is on the minus strand); deleting any 2 consecutive bases within chr12:1,878,951-1,878,953 gives the same sequence; the c. name uses the placement nearest the transcript's 3' end. VCF-style (leftmost placement, unchanged base first): chr12-1878950-GCT-G. GRCh37 (hg19) VCF-style: chr12-1988116-GCT-G.
Identifiers: ClinVar variation 2811243 (VCV002811243.3), dbSNP rs2497215933, ClinGen allele CA2739271822.

ClinVar aggregate classification (germline): Uncertain significance (1 of 4 stars; one submission).

Submission:

Labcorp Genetics (formerly Invitae), Labcorp
Classification: Uncertain significance. Last evaluated: 2022-11-01. Review status: criteria provided, single submitter. Criteria: Invitae Variant Classification Sherloc (09022015). Collection method: clinical testing. Allele origin: germline.
Comment: In summary, the available evidence is currently insufficient to determine the role of this variant in disease. Therefore, it has been classified as a Variant of Uncertain Significance. Variants that disrupt the consensus splice site are a relatively common cause of aberrant splicing (PMID: 17576681, 9536098). Algorithms developed to predict the effect of sequence changes on RNA splicing suggest that this variant may disrupt the consensus splice site. This variant has not been reported in the literature in individuals affected with CACNA2D4-related conditions. This variant is not present in population databases (gnomAD no frequency). This sequence change falls in intron 15 of the CACNA2D4 gene. It does not directly change the encoded amino acid sequence of the CACNA2D4 protein. It affects a nucleotide within the consensus splice site.

Literature cited by the submitters: PubMed 17576681; PubMed 9536098.